The following is an entry in ClinVar:

NM_014516.4(CNOT3):c.1095_1097del (p.Gly366del)

Gene: CNOT3 (CCR4-NOT transcription complex subunit 3; plus strand). Cytogenetic location: 19q13.42.
Variant type: Deletion.
Coding change: c.1095_1097del on transcript NM_014516.4 (MANE Select); coding-DNA positions 1095 to 1097, 3 bases deleted (GGG; older notation c.1095_1097delGGG).
Protein change: p.Gly366del; deletes glycine 366.
Molecular consequence: inframe deletion. On other transcripts: non-coding transcript variant (2).
Genome position (GRCh38, 1-based): chr19:54,148,348-54,148,350, GGG deleted. VCF-style (leftmost placement, unchanged base first): chr19-54148347-CGGG-C. GRCh37 (hg19) VCF-style: chr19-54652082-CGGG-C.
Other names: c.1098_1100del, p.Gly367del (NM_001440653.1, NM_001440655.1, NM_001440657.1 and 3 more transcripts); c.1095_1097del, p.Gly366del (NM_001440654.1, NM_001440656.1, NM_001440658.1 and 1 more transcripts); c.552_554del, p.Gly185del (NM_001440659.1, NM_001440660.1); short protein forms G185del, G366del, G367del.
Identifiers: ClinVar variation 4715809 (VCV004715809.1).
Genomic context (GRCh38, chr19:54,148,347, plus strand): 5'-CCCCCGCAGCACCCCCAAGTGCCCTGGGCCCCAAGGCCAGTCCAGCTCCCAGCCACAACT[CGGG>C]CACCCCTGCTCCCTATGCCCAGGCTGTGGCCCCACCAGCTCCCAGTGGGCCCAGCACGAC-3'

ClinVar aggregate classification (germline): Uncertain significance (1 of 4 stars; one submission).

Submission:

Labcorp Genetics (formerly Invitae), Labcorp
Classification: Uncertain significance. Last evaluated: 2025-03-24. Review status: criteria provided, single submitter. Criteria: Invitae Variant Classification Sherloc (09022015). Collection method: clinical testing. Allele origin: germline.
Comment: This variant, c.1095_1097del, results in the deletion of 1 amino acid(s) of the CNOT3 protein (p.Gly366del), but otherwise preserves the integrity of the reading frame. This variant is not present in population databases (gnomAD no frequency). This variant has not been reported in the literature in individuals affected with CNOT3-related conditions. Experimental studies and prediction algorithms are not available or were not evaluated, and the functional significance of this variant is currently unknown. In summary, the available evidence is currently insufficient to determine the role of this variant in disease. Therefore, it has been classified as a Variant of Uncertain Significance.